The following is an entry in ClinVar:

NM_020738.4(KIDINS220):c.3318C>T (p.Ser1106=)

Gene: KIDINS220 (kinase D interacting substrate 220; minus strand). Cytogenetic location: 2p25.1.
Variant type: single nucleotide variant.
Coding change: c.3318C>T on transcript NM_020738.4 (MANE Select); coding-DNA position 3318, C replaced by T.
Protein change: p.Ser1106=; no amino-acid change (serine 1106 retained).
Molecular consequence: synonymous variant. On other transcripts: non-coding transcript variant (2).
Genome position (GRCh38, 1-based): chr2:8,750,208, G>A on the plus strand (C>T on the coding strand, the complement: KIDINS220 is on the minus strand). VCF-style: chr2-8750208-G-A. GRCh37 (hg19) VCF-style: chr2-8890338-G-A.
Other names: c.3321C>T, p.Ser1107= (NM_001348729.2, NM_001348731.2, NM_001348734.2 and 2 more transcripts); c.3318C>T, p.Ser1106= (NM_001348732.2, NM_001348735.2, NM_001348738.2 and 3 more transcripts); c.3192C>T, p.Ser1064= (NM_001348736.2).
Identifiers: ClinVar variation 741480 (VCV000741480.19), dbSNP rs369693571, ClinGen allele CA1519704.

ClinVar aggregate classification (germline): Benign/Likely benign. Review status: criteria provided, multiple submitters, no conflicts (2 of 4 stars). 3 submissions from 3 submitters: Benign (1); Likely benign (2). Last evaluated 2026-07-01.

Conditions:
Spastic paraplegia, intellectual disability, nystagmus, and obesity. Also called: Spastic paraplegia, intellectual disability, nystagmus, and obesity;. Identifiers: Orphanet 521390, MedGen C4284592, MONDO:0015007, OMIM 617296.
Ventriculomegaly and arthrogryposis. Identifiers: MedGen C5561973, MONDO:0859184, OMIM 619501.

Allele frequency attached by ClinVar (database versions not stated): gnomAD 0.00018 and 0.00042; gnomAD exomes 0.00019 and 0.00074; TOPMed 0.00036; ExAC 0.00070; 1000 Genomes Project 30x 0.00219; 1000 Genomes Project 0.00240.
gnomAD v4.1: 387 of 1,614,218 alleles (0.024%); highest among the groups gnomAD compares: East Asian, 0.45%; 3 homozygotes.

Submissions (3):

CeGaT Center for Human Genetics Tuebingen
Classification: Likely benign. Last evaluated: 2026-07-01. Review status: criteria provided, single submitter. Criteria: CeGaT Center For Human Genetics Tuebingen Variant Classification Criteria Version 2. Collection method: clinical testing. Allele origin: germline. Affected: yes. Observed: 3 variant alleles.
Comment: KIDINS220: BP4, BP7

Labcorp Genetics (formerly Invitae), Labcorp
Classification: Benign. Last evaluated: 2025-10-29. Review status: criteria provided, single submitter. Criteria: Invitae Variant Classification Sherloc (09022015). Collection method: clinical testing. Allele origin: germline.

Fulgent Genetics
Classification: Likely benign for Spastic paraplegia, intellectual disability, nystagmus, and obesity; Ventriculomegaly and arthrogryposis. Last evaluated: 2022-04-27. Review status: criteria provided, single submitter. Criteria: ACMG Guidelines, 2015. Collection method: clinical testing. Allele origin: unknown.